The following is an entry in ClinVar:

ClinVar aggregate classification (germline): Likely benign (1 of 4 stars; one submission).

gnomAD v4.1: 2 of 1,612,446 alleles (0.00012%); highest among the groups gnomAD compares: Non-Finnish European, 0.00017%; no homozygotes.

Submission:

CeGaT Center for Human Genetics Tuebingen
Classification: Likely benign. Last evaluated: 2025-09-01. Review status: criteria provided, single submitter. Criteria: CeGaT Center For Human Genetics Tuebingen Variant Classification Criteria Version 2. Collection method: clinical testing. Allele origin: germline. Affected: yes. Observed: 1 variant allele.
Comment: KDM6B: BP4

NM_001348716.2(KDM6B):c.2002C>T (p.Pro668Ser)

Gene: KDM6B (lysine demethylase 6B; plus strand). Cytogenetic location: 17p13.1.
Variant type: single nucleotide variant.
Coding change: c.2002C>T on transcript NM_001348716.2 (MANE Select); coding-DNA position 2002, C replaced by T.
Protein change: p.Pro668Ser; replaces proline 668 with serine.
Molecular consequence: missense variant.
Genome position (GRCh38, 1-based): chr17:7,848,290, C>T. VCF-style: chr17-7848290-C-T. GRCh37 (hg19) VCF-style: chr17-7751608-C-T.
Other names: c.2002C>T, p.Pro668Ser (NM_001080424.2); short protein forms P668S.
Identifiers: ClinVar variation 4281344 (VCV004281344.7).
Genomic context (GRCh38, chr17:7,848,290, plus strand): 5'-CCCCTGAGTAAAGCCCCCCAGCCTGTGCCGCCCGGGGTTGGGGAGCTGCCTGCCCGAGGC[C>T]CTCGACTCTTTGATTTTCCCCCCACTCCGCTGGAGGACCAGTTTGAGGAGCCAGCCGAAT-3'
Protein context (NP_001335645.1, residues 658-678): PGVGELPARG[Pro668Ser]RLFDFPPTPL